The following is an entry in ClinVar:

ClinVar aggregate classification (germline): Uncertain significance. Review status: criteria provided, multiple submitters, no conflicts (2 of 4 stars). 3 submissions from 3 submitters: Uncertain significance (3). Last evaluated 2024-09-26.

Conditions:
Inborn genetic diseases. Identifiers: MedGen C0950123, MeSH D030342.

Allele frequency attached by ClinVar (database versions not stated): gnomAD 0.00001; gnomAD exomes 0.00001; TOPMed 0.00001.
gnomAD v4.1: 4 of 1,613,854 alleles (0.00025%); highest among the groups gnomAD compares: East Asian, 0.0045%; no homozygotes.

Submissions (3):

Ambry Genetics
Classification: Uncertain significance for Inborn genetic diseases. Last evaluated: 2024-09-26. Review status: criteria provided, single submitter. Criteria: Ambry Variant Classification Scheme 2023. Collection method: clinical testing. Allele origin: germline.

GeneDx
Classification: Uncertain significance. Last evaluated: 2023-05-05. Review status: criteria provided, single submitter. Criteria: GeneDx Variant Classification Process June 2021. Collection method: clinical testing. Allele origin: germline. Affected: yes.
Comment: Not observed at significant frequency in large population cohorts (gnomAD); In silico analysis supports that this missense variant does not alter protein structure/function; Has not been previously published as pathogenic or benign to our knowledge

Labcorp Genetics (formerly Invitae), Labcorp
Classification: Uncertain significance. Last evaluated: 2021-12-02. Review status: criteria provided, single submitter. Criteria: Invitae Variant Classification Sherloc (09022015). Collection method: clinical testing. Allele origin: germline.
Comment: This sequence change replaces arginine, which is basic and polar, with cysteine, which is neutral and slightly polar, at codon 1109 of the LRPPRC protein (p.Arg1109Cys). This variant is present in population databases (no rsID available, gnomAD no frequency). This variant has not been reported in the literature in individuals affected with LRPPRC-related conditions. Algorithms developed to predict the effect of missense changes on protein structure and function are either unavailable or do not agree on the potential impact of this missense change (SIFT: "Deleterious"; PolyPhen-2: "Benign"; Align-GVGD: "Class C25"). In summary, the available evidence is currently insufficient to determine the role of this variant in disease. Therefore, it has been classified as a Variant of Uncertain Significance.

NM_133259.4(LRPPRC):c.3325C>T (p.Arg1109Cys)

Gene: LRPPRC (leucine rich pentatricopeptide repeat containing; minus strand). Cytogenetic location: 2p21.
Variant type: single nucleotide variant.
Coding change: c.3325C>T on transcript NM_133259.4 (MANE Select); coding-DNA position 3325, C replaced by T.
Protein change: p.Arg1109Cys; replaces arginine 1109 with cysteine.
Molecular consequence: missense variant.
Genome position (GRCh38, 1-based): chr2:43,905,731, G>A on the plus strand (C>T on the coding strand, the complement: LRPPRC is on the minus strand). VCF-style: chr2-43905731-G-A. GRCh37 (hg19) VCF-style: chr2-44132870-G-A.
Other names: c.3325C>T (NM_133259.3); short protein forms R1109C.
Identifiers: ClinVar variation 1405183 (VCV001405183.5), dbSNP rs1468749331, ClinGen allele CA346664999.